The following is an entry in ClinVar:

ClinVar aggregate classification (germline): Uncertain significance. Review status: criteria provided, multiple submitters, no conflicts (2 of 4 stars). 2 submissions from 2 submitters: Uncertain significance (2). Last evaluated 2024-12-03.

Conditions:
Inborn genetic diseases. Identifiers: MedGen C0950123, MeSH D030342.
Bardet-Biedl syndrome (BBS). Identifiers: Orphanet 110, MedGen C0752166, MONDO:0015229.

Allele frequency attached by ClinVar (database versions not stated): gnomAD exomes below 0.00001; gnomAD 0.00001; TOPMed 0.00001.
gnomAD v4.1: 4 of 1,613,606 alleles (0.00025%); highest among the groups gnomAD compares: Middle Eastern, 0.016%; no homozygotes.

Submissions (2):

Ambry Genetics
Classification: Uncertain significance for Inborn genetic diseases. Last evaluated: 2024-12-03. Review status: criteria provided, single submitter. Criteria: Ambry Variant Classification Scheme 2023. Collection method: clinical testing. Allele origin: germline.

Labcorp Genetics (formerly Invitae), Labcorp
Classification: Uncertain significance for Bardet-Biedl syndrome. Last evaluated: 2022-07-26. Review status: criteria provided, single submitter. Criteria: Invitae Variant Classification Sherloc (09022015). Collection method: clinical testing. Allele origin: germline.
Comment: This sequence change replaces lysine, which is basic and polar, with arginine, which is basic and polar, at codon 127 of the BBS10 protein (p.Lys127Arg). This variant is present in population databases (no rsID available, gnomAD 0.008%). This variant has not been reported in the literature in individuals affected with BBS10-related conditions. ClinVar contains an entry for this variant (Variation ID: 850160). Algorithms developed to predict the effect of missense changes on protein structure and function (SIFT, PolyPhen-2, Align-GVGD) all suggest that this variant is likely to be tolerated. In summary, the available evidence is currently insufficient to determine the role of this variant in disease. Therefore, it has been classified as a Variant of Uncertain Significance.

NM_024685.4(BBS10):c.380A>G (p.Lys127Arg)

Gene: BBS10 (Bardet-Biedl syndrome 10; minus strand). Cytogenetic location: 12q21.2.
Variant type: single nucleotide variant.
Coding change: c.380A>G on transcript NM_024685.4 (MANE Select); coding-DNA position 380, A replaced by G.
Protein change: p.Lys127Arg; replaces lysine 127 with arginine.
Molecular consequence: missense variant.
Genome position (GRCh38, 1-based): chr12:76,347,605, T>C on the plus strand (A>G on the coding strand, the complement: BBS10 is on the minus strand). VCF-style: chr12-76347605-T-C. GRCh37 (hg19) VCF-style: chr12-76741385-T-C.
Other names: short protein forms K127R.
Identifiers: ClinVar variation 850160 (VCV000850160.10), dbSNP rs936655028, ClinGen allele CA239332495.
Genomic context (GRCh38, chr12:76,347,605, plus strand): 5'-TGGTCCATAATACCGTCTAATATTTGTGTCTGAAACGTTAGGAGAGCCTGGGAAATAAAT[T>C]TCCACCGAGAACAATTTTTCCAATGCCTTCCATGGGTTTGAATGTTTTCACACATCAAAG-3'
Protein context (NP_078961.3, residues 117-137): GRHWKNCSRW[Lys127Arg]FISQALLTFQ